The following is an entry in ClinVar:

NM_000368.5(TSC1):c.2338A>T (p.Arg780Ter)

Gene: TSC1 (TSC complex subunit 1; minus strand). Cytogenetic location: 9q34.13.
Variant type: single nucleotide variant.
Coding change: c.2338A>T on transcript NM_000368.5 (MANE Select); coding-DNA position 2338, A replaced by T.
Protein change: p.Arg780Ter; replaces arginine 780 with a stop codon.
Molecular consequence: nonsense.
Genome position (GRCh38, 1-based): chr9:132,902,658, T>A on the plus strand (A>T on the coding strand, the complement: TSC1 is on the minus strand). VCF-style: chr9-132902658-T-A. GRCh37 (hg19) VCF-style: chr9-135778045-T-A.
Other names: c.2335A>T, p.Arg779Ter (NM_001162426.2); c.2185A>T, p.Arg729Ter (NM_001162427.2); c.1975A>T, p.Arg659Ter (NM_001362177.2); short protein forms R780*, R659*, R779*, R729*.
Identifiers: ClinVar variation 620189 (VCV000620189.6), dbSNP rs1564477162, ClinGen allele CA375359430.

ClinVar aggregate classification (germline): Pathogenic/Likely pathogenic. Review status: criteria provided, multiple submitters, no conflicts (2 of 4 stars). 2 submissions from 2 submitters: Pathogenic (1); Likely pathogenic (1). Last evaluated 2021-10-23.

Conditions:
Tuberous sclerosis 1 (TSC1). Identifiers: Orphanet 805, MedGen C1854465, MONDO:0008612, OMIM 191100.

Submissions (2):

Labcorp Genetics (formerly Invitae), Labcorp
Classification: Pathogenic for Tuberous sclerosis 1. Last evaluated: 2021-10-23. Review status: criteria provided, single submitter. Criteria: Invitae Variant Classification Sherloc (09022015). Collection method: clinical testing. Allele origin: germline.
Comment: For these reasons, this variant has been classified as Pathogenic. ClinVar contains an entry for this variant (Variation ID: 620189). This variant has not been reported in the literature in individuals affected with TSC1-related conditions. This variant is not present in population databases (gnomAD no frequency). This sequence change creates a premature translational stop signal (p.Arg780*) in the TSC1 gene. It is expected to result in an absent or disrupted protein product. Loss-of-function variants in TSC1 are known to be pathogenic (PMID: 10227394, 17304050).

GeneDx
Classification: Likely pathogenic. Last evaluated: 2018-03-15. Review status: criteria provided, single submitter. Criteria: GeneDx Variant Classification (06012015). Collection method: clinical testing. Allele origin: germline. Affected: yes.
Comment: A variant that is likely pathogenic has been identified in the TSC1 gene. The R780X variant has not been published as a pathogenic variant, nor has it been reported as a benign variant to our knowledge. The R780X nonsense variant in the TSC1 gene is predicted to cause loss of normal protein function either through protein truncation or nonsense-mediated mRNA decay. The R780X variant is not observed in large population cohorts (Lek et al., 2016). Therefore, this variant is likely pathogenic; however, the possibility that it is benign cannot be excluded.

Literature cited by the submitters: PubMed 10227394 (cited by Labcorp Genetics (formerly Invitae), Labcorp); PubMed 17304050 (cited by Labcorp Genetics (formerly Invitae), Labcorp).